The following is an entry in ClinVar:

ClinVar aggregate classification (germline): Uncertain significance (1 of 4 stars; one submission).

gnomAD v4.1: 1 of 1,556,588 alleles (0.000064%); highest among the groups gnomAD compares: Non-Finnish European, 0.000087%; no homozygotes.

Submission:

Labcorp Genetics (formerly Invitae), Labcorp
Classification: Uncertain significance. Last evaluated: 2025-02-09. Review status: criteria provided, single submitter. Criteria: Invitae Variant Classification Sherloc (09022015). Collection method: clinical testing. Allele origin: germline.
Comment: This sequence change replaces alanine, which is neutral and non-polar, with valine, which is neutral and non-polar, at codon 127 of the PDE4D protein (p.Ala127Val). This variant is not present in population databases (gnomAD no frequency). This variant has not been reported in the literature in individuals affected with PDE4D-related conditions. An algorithm developed to predict the effect of missense changes on protein structure and function (PolyPhen-2) suggests that this variant is likely to be tolerated. In summary, the available evidence is currently insufficient to determine the role of this variant in disease. Therefore, it has been classified as a Variant of Uncertain Significance.

NM_001104631.2(PDE4D):c.380C>T (p.Ala127Val)

Gene: PDE4D (phosphodiesterase 4D; minus strand). Cytogenetic location: 5q12.1.
Variant type: single nucleotide variant.
Coding change: c.380C>T on transcript NM_001104631.2 (MANE Select); coding-DNA position 380, C replaced by T.
Protein change: p.Ala127Val; replaces alanine 127 with valine.
Molecular consequence: missense variant. On other transcripts: intron variant (5).
Genome position (GRCh38, 1-based): chr5:59,893,243, G>A on the plus strand (C>T on the coding strand, the complement: PDE4D is on the minus strand). VCF-style: chr5-59893243-G-A. GRCh37 (hg19) VCF-style: chr5-59189070-G-A.
Other names: c.272+95245C>T (NM_001364599.1, NM_001165899.2, NM_001364600.2); c.-240+95245C>T (NM_001349243.2); c.242+95245C>T (NM_001349241.2); short protein forms A127V.
Identifiers: ClinVar variation 4797364 (VCV004797364.1).